The following is an entry in ClinVar:

ClinVar aggregate classification (germline): Uncertain significance (1 of 4 stars; one submission).

gnomAD v4.1: 1 of 1,614,246 alleles (0.000062%); highest among the groups gnomAD compares: Non-Finnish European, 0.000085%; no homozygotes.

Submission:

Labcorp Genetics (formerly Invitae), Labcorp
Classification: Uncertain significance. Last evaluated: 2025-12-01. Review status: criteria provided, single submitter. Criteria: Invitae Variant Classification Sherloc (09022015). Collection method: clinical testing. Allele origin: germline.
Comment: This sequence change replaces leucine, which is neutral and non-polar, with valine, which is neutral and non-polar, at codon 3127 of the SRCAP protein (p.Leu3127Val). This variant is not present in population databases (gnomAD no frequency). This variant has not been reported in the literature in individuals affected with SRCAP-related conditions. Invitae Evidence Modeling of protein sequence and biophysical properties (such as structural, functional, and spatial information, amino acid conservation, physicochemical variation, residue mobility, and thermodynamic stability) indicates that this missense variant is not expected to disrupt SRCAP protein function with a negative predictive value of 80%. In summary, the available evidence is currently insufficient to determine the role of this variant in disease. Therefore, it has been classified as a Variant of Uncertain Significance.

NM_006662.3(SRCAP):c.9379C>G (p.Leu3127Val)

Gene: SRCAP (Snf2 related CREBBP activator protein; plus strand). Cytogenetic location: 16p11.2.
Variant type: single nucleotide variant.
Coding change: c.9379C>G on transcript NM_006662.3 (MANE Select); coding-DNA position 9379, C replaced by G.
Protein change: p.Leu3127Val; replaces leucine 3127 with valine.
Molecular consequence: missense variant.
Genome position (GRCh38, 1-based): chr16:30,739,419, C>G. VCF-style: chr16-30739419-C-G. GRCh37 (hg19) VCF-style: chr16-30750740-C-G.
Other names: short protein forms L3127V.
Identifiers: ClinVar variation 4764328 (VCV004764328.1).